The following is an entry in ClinVar:

NM_001042492.3(NF1):c.5240C>G (p.Ala1747Gly)

Gene: NF1 (neurofibromin 1; plus strand). Cytogenetic location: 17q11.2.
Variant type: single nucleotide variant.
Coding change: c.5240C>G on transcript NM_001042492.3 (MANE Select); coding-DNA position 5240, C replaced by G.
Protein change: p.Ala1747Gly; replaces alanine 1747 with glycine.
Molecular consequence: missense variant.
Genome position (GRCh38, 1-based): chr17:31,326,224, C>G. VCF-style: chr17-31326224-C-G. GRCh37 (hg19) VCF-style: chr17-29653242-C-G.
Other names: c.5177C>G, p.Ala1726Gly (NM_000267.4); short protein forms A1747G, A1726G.
Identifiers: ClinVar variation 1745827 (VCV001745827.2), dbSNP rs2151539025, ClinGen allele CA399008288.

ClinVar aggregate classification (germline): Uncertain significance (1 of 4 stars; one submission).

Conditions:
Cardiovascular phenotype. Identifiers: MedGen CN230736.
Hereditary cancer-predisposing syndrome. Also called: Hereditary Cancer Syndrome; Neoplastic Syndromes, Hereditary; Tumor predisposition; Hereditary neoplastic syndrome. Identifiers: Orphanet 140162, MedGen C0027672, MeSH D009386, MONDO:0015356.

Allele frequency attached by ClinVar (database versions not stated): gnomAD exomes below 0.00001.
gnomAD v4.1: 1 of 1,611,210 alleles (0.000062%); highest among the groups gnomAD compares: Non-Finnish European, 0.000085%; no homozygotes.

Submission:

Ambry Genetics
Classification: Uncertain significance for Cardiovascular phenotype; Hereditary cancer-predisposing syndrome. Last evaluated: 2022-02-06. Review status: criteria provided, single submitter. Criteria: Ambry Variant Classification Scheme 2023. Collection method: clinical testing. Allele origin: germline.
Comment: The p.A1726G variant (also known as c.5177C>G), located in coding exon 36 of the NF1 gene, results from a C to G substitution at nucleotide position 5177. The alanine at codon 1726 is replaced by glycine, an amino acid with similar properties. This amino acid position is conserved. In addition, this alteration is predicted to be tolerated by in silico analysis. Since supporting evidence is limited at this time, the clinical significance of this alteration remains unclear.